The following is an entry in ClinVar:

ClinVar aggregate classification (germline): Pathogenic (1 of 4 stars; one submission).

Conditions:
46 XY differences of sex development. Also called: 46,XY disorder of sex development; 46, XY disorder of sex development (DSD). Identifiers: Orphanet 98085, MedGen C2751824, MONDO:0020040.
Oligosynaptic infertility (SPGF1). Also called: OLIGOCHIASMATIC INFERTILITY; SPERMATOGENIC FAILURE 1. Identifiers: MedGen C0403810, MONDO:0009776, OMIM 258150.

Submission:

Labcorp Genetics (formerly Invitae), Labcorp
Classification: Pathogenic for 46 XY differences of sex development; Oligosynaptic infertility. Last evaluated: 2018-05-07. Review status: criteria provided, single submitter. Criteria: Invitae Variant Classification Sherloc (09022015). Collection method: clinical testing. Allele origin: germline.
Comment: For these reasons, this variant has been classified as Pathogenic. Loss-of-function variants in NR5A1 are known to be pathogenic (PMID: 10369247, 11038323, 12907682, 19246354, 20887963). Algorithms developed to predict the effect of sequence changes on RNA splicing suggest that this variant may create or strengthen a splice site, but this prediction has not been confirmed by published transcriptional studies. This variant has not been reported in the literature in individuals with NR5A1-related disease. This variant is not present in population databases (ExAC no frequency). This sequence change creates a premature translational stop signal (p.Tyr25*) in the NR5A1 gene. It is expected to result in an absent or disrupted protein product.

Literature cited by the submitters: PubMed 10369247; PubMed 11038323; PubMed 12907682; PubMed 19246354; PubMed 20887963.

NM_004959.5(NR5A1):c.75C>G (p.Tyr25Ter)

Gene: NR5A1 (nuclear receptor subfamily 5 group A member 1; minus strand). Cytogenetic location: 9q33.3.
Variant type: single nucleotide variant.
Coding change: c.75C>G on transcript NM_004959.5 (MANE Select); coding-DNA position 75, C replaced by G.
Protein change: p.Tyr25Ter; replaces tyrosine 25 with a stop codon.
Molecular consequence: nonsense.
Genome position (GRCh38, 1-based): chr9:124,503,321, G>C on the plus strand (C>G on the coding strand, the complement: NR5A1 is on the minus strand). VCF-style: chr9-124503321-G-C. GRCh37 (hg19) VCF-style: chr9-127265600-G-C.
Other names: short protein forms Y25*.
Identifiers: ClinVar variation 1075535 (VCV001075535.7), dbSNP rs2131289982, ClinGen allele CA374890694.